The following is an entry in ClinVar:

ClinVar aggregate classification (germline): Uncertain significance (1 of 4 stars; one submission).

Conditions:
Neuropathy, hereditary sensory and autonomic, type 2A (HSAN2A). Also called: ACROOSTEOLYSIS, GIACCAI TYPE; ACROOSTEOLYSIS, NEUROGENIC; WNK1-Related HSAN2 (HSAN2A); HSAN IIA; MORVAN DISEASE; NEUROPATHY, CONGENITAL SENSORY. Identifiers: Orphanet 970, MedGen C2752089, MONDO:0024309, OMIM 201300.
Pseudohypoaldosteronism type 2C (PHA2C). Also called: Pseudohypoaldosteronism Type IIC. Identifiers: Orphanet 757, Orphanet 88940, MedGen C1840391, MONDO:0013778, OMIM 614492.

Allele frequency attached by ClinVar (database versions not stated): gnomAD exomes below 0.00001.
gnomAD v4.1: 2 of 1,614,156 alleles (0.00012%); highest among the groups gnomAD compares: South Asian, 0.0011%; no homozygotes.

Submission:

Labcorp Genetics (formerly Invitae), Labcorp
Classification: Uncertain significance for Neuropathy, hereditary sensory and autonomic, type 2A; Pseudohypoaldosteronism type 2C. Last evaluated: 2019-03-27. Review status: criteria provided, single submitter. Criteria: Invitae Variant Classification Sherloc (09022015). Collection method: clinical testing. Allele origin: germline.
Comment: In summary, the available evidence is currently insufficient to determine the role of this variant in disease. Therefore, it has been classified as a Variant of Uncertain Significance. Algorithms developed to predict the effect of missense changes on protein structure and function are either unavailable or do not agree on the potential impact of this missense change (SIFT: "Deleterious"; PolyPhen-2: "Not Available"; Align-GVGD: "Class C35"). This variant has not been reported in the literature in individuals with WNK1-related conditions. This variant is not present in population databases (ExAC no frequency). This sequence change replaces glutamine with arginine at codon 643 of the WNK1 protein (p.Gln643Arg). The glutamine residue is highly conserved and there is a small physicochemical difference between glutamine and arginine.

NM_018979.4(WNK1):c.1928A>G (p.Gln643Arg)

Gene: WNK1 (WNK lysine deficient protein kinase 1; plus strand). Cytogenetic location: 12p13.33.
Variant type: single nucleotide variant.
Coding change: c.1928A>G on transcript NM_018979.4 (MANE Select); coding-DNA position 1928, A replaced by G.
Protein change: p.Gln643Arg; replaces glutamine 643 with arginine.
Molecular consequence: missense variant.
Genome position (GRCh38, 1-based): chr12:861,320, A>G. VCF-style: chr12-861320-A-G. GRCh37 (hg19) VCF-style: chr12-970486-A-G.
Other names: c.1928A>G, p.Gln643Arg (NM_001184985.2, NM_014823.3, NM_213655.5); short protein forms Q643R.
Identifiers: ClinVar variation 952903 (VCV000952903.9), dbSNP rs1195061483, ClinGen allele CA383335879.
Genomic context (GRCh38, chr12:861,320, plus strand): 5'-TTTCTACACAAGTAGAACCTGAAGAACCTGAGGCAGATCAACATCAACAACTACAGTACC[A>G]GCAACCCAGTATATCTGTGTTATGTACGTATCTTGGGAAGTGGACAGATAGGCTAATGAT-3'
Protein context (NP_061852.3, residues 633-653): EADQHQQLQY[Gln643Arg]QPSISVLSDG